The following is an entry in ClinVar:

NM_206933.4(USH2A):c.12300C>G (p.Tyr4100Ter)

Gene: USH2A (usherin; minus strand). Cytogenetic location: 1q41.
Variant type: single nucleotide variant.
Coding change: c.12300C>G on transcript NM_206933.4 (MANE Select); coding-DNA position 12300, C replaced by G.
Protein change: p.Tyr4100Ter; replaces tyrosine 4100 with a stop codon.
Molecular consequence: nonsense.
Genome position (GRCh38, 1-based): chr1:215,675,611, G>C on the plus strand (C>G on the coding strand, the complement: USH2A is on the minus strand). VCF-style: chr1-215675611-G-C. GRCh37 (hg19) VCF-style: chr1-215848953-G-C.
Other names: short protein forms Y4100*.
Identifiers: ClinVar variation 1072136 (VCV001072136.8), dbSNP rs1657997730, ClinGen allele CA344851351.

ClinVar aggregate classification (germline): Pathogenic (1 of 4 stars; one submission).

gnomAD v4.1: 5 of 1,614,088 alleles (0.00031%); highest among the groups gnomAD compares: Non-Finnish European, 0.00042%; no homozygotes.

Submission:

Labcorp Genetics (formerly Invitae), Labcorp
Classification: Pathogenic. Last evaluated: 2022-10-25. Review status: criteria provided, single submitter. Criteria: Invitae Variant Classification Sherloc (09022015). Collection method: clinical testing. Allele origin: germline.
Comment: For these reasons, this variant has been classified as Pathogenic. ClinVar contains an entry for this variant (Variation ID: 1072136). This variant has not been reported in the literature in individuals affected with USH2A-related conditions. This variant is not present in population databases (gnomAD no frequency). This sequence change creates a premature translational stop signal (p.Tyr4100*) in the USH2A gene. It is expected to result in an absent or disrupted protein product. Loss-of-function variants in USH2A are known to be pathogenic (PMID: 10729113, 10909849, 20507924, 25649381).

Literature cited by the submitters: PubMed 10729113; PubMed 10909849; PubMed 20507924; PubMed 25649381.